The following is an entry in ClinVar:

ClinVar aggregate classification (germline): Uncertain significance (1 of 4 stars; one submission).

Allele frequency attached by ClinVar (database versions not stated): gnomAD 0.00002; TOPMed 0.00002.
gnomAD v4.1: 10 of 1,584,554 alleles (0.00063%); highest among the groups gnomAD compares: Admixed American, 0.0054%; no homozygotes.

Submission:

Labcorp Genetics (formerly Invitae), Labcorp
Classification: Uncertain significance. Last evaluated: 2022-04-29. Review status: criteria provided, single submitter. Criteria: Invitae Variant Classification Sherloc (09022015). Collection method: clinical testing. Allele origin: germline.
Comment: In summary, the available evidence is currently insufficient to determine the role of this variant in disease. Therefore, it has been classified as a Variant of Uncertain Significance. Algorithms developed to predict the effect of sequence changes on RNA splicing suggest that this variant may create or strengthen a splice site. Algorithms developed to predict the effect of missense changes on protein structure and function are either unavailable or do not agree on the potential impact of this missense change (SIFT: "Deleterious"; PolyPhen-2: "Benign"; Align-GVGD: "Class C0"). This variant has not been reported in the literature in individuals affected with NDUFV2-related conditions. The frequency data for this variant in the population databases is considered unreliable, as metrics indicate poor data quality at this position in the gnomAD database. This sequence change replaces arginine, which is basic and polar, with glutamine, which is neutral and polar, at codon 8 of the NDUFV2 protein (p.Arg8Gln).

NM_021074.5(NDUFV2):c.23G>A (p.Arg8Gln)

Genes: NDUFV2 (NADH:ubiquinone oxidoreductase core subunit V2; plus strand), LOC130062145 (ATAC-STARR-seq lymphoblastoid silent region 9277; plus strand). Cytogenetic location: 18p11.22.
Variant type: single nucleotide variant.
Coding change: c.23G>A on transcript NM_021074.5 (MANE Select); coding-DNA position 23, G replaced by A.
Protein change: p.Arg8Gln; replaces arginine 8 with glutamine.
Molecular consequence: missense variant.
Genome position (GRCh38, 1-based): chr18:9,102,766, G>A. VCF-style: chr18-9102766-G-A. GRCh37 (hg19) VCF-style: chr18-9102764-G-A.
Other names: short protein forms R8Q.
Identifiers: ClinVar variation 2076617 (VCV002076617.3), dbSNP rs1393849645, ClinGen allele CA402021987.